The following is an entry in ClinVar:

NM_014444.5(TUBGCP4):c.207+1G>A

Gene: TUBGCP4 (tubulin gamma complex component 4; plus strand). Cytogenetic location: 15q15.3.
Variant type: single nucleotide variant.
Coding change: c.207+1G>A on transcript NM_014444.5 (MANE Select); the canonical splice donor site of the intron after coding-DNA position 207, G replaced by A.
Molecular consequence: splice donor variant.
Genome position (GRCh38, 1-based): chr15:43,376,227, G>A. VCF-style: chr15-43376227-G-A. GRCh37 (hg19) VCF-style: chr15-43668425-G-A.
Other names: c.207+1G>A (NM_001286414.3).
Identifiers: ClinVar variation 2814556 (VCV002814556.3), dbSNP rs2542978730, ClinGen allele CA392115285.

ClinVar aggregate classification (germline): Likely pathogenic (1 of 4 stars; one submission).

Allele frequency attached by ClinVar (database versions not stated): gnomAD exomes below 0.00001.
gnomAD v4.1: 1 of 1,614,040 alleles (0.000062%); highest among the groups gnomAD compares: South Asian, 0.0011%; no homozygotes.

Submission:

Labcorp Genetics (formerly Invitae), Labcorp
Classification: Likely pathogenic. Last evaluated: 2023-11-27. Review status: criteria provided, single submitter. Criteria: Invitae Variant Classification Sherloc (09022015). Collection method: clinical testing. Allele origin: germline.
Comment: This sequence change affects a donor splice site in intron 2 of the TUBGCP4 gene. It is expected to disrupt RNA splicing. Variants that disrupt the donor or acceptor splice site typically lead to a loss of protein function (PMID: 16199547), and loss-of-function variants in TUBGCP4 are known to be pathogenic (PMID: 25817018). This variant is not present in population databases (gnomAD no frequency). This variant has not been reported in the literature in individuals affected with TUBGCP4-related conditions. Algorithms developed to predict the effect of sequence changes on RNA splicing suggest that this variant may disrupt the consensus splice site. In summary, the currently available evidence indicates that the variant is pathogenic, but additional data are needed to prove that conclusively. Therefore, this variant has been classified as Likely Pathogenic.

Literature cited by the submitters: PubMed 16199547; PubMed 25817018.